The following is an entry in ClinVar:

NM_145290.4(ADGRA3):c.3604G>A (p.Val1202Met)

Gene: ADGRA3 (adhesion G protein-coupled receptor A3; minus strand). Cytogenetic location: 4p15.2.
Variant type: single nucleotide variant.
Coding change: c.3604G>A on transcript NM_145290.4 (MANE Select); coding-DNA position 3604, G replaced by A.
Protein change: p.Val1202Met; replaces valine 1202 with methionine.
Molecular consequence: missense variant.
Genome position (GRCh38, 1-based): chr4:22,388,067, C>T on the plus strand (G>A on the coding strand, the complement: ADGRA3 is on the minus strand). VCF-style: chr4-22388067-C-T. GRCh37 (hg19) VCF-style: chr4-22389690-C-T.
Other names: c.3604G>A (NM_145290.2); short protein forms V1202M.
Identifiers: ClinVar variation 1034769 (VCV001034769.10), dbSNP rs141222776, ClinGen allele CA2873334.

ClinVar aggregate classification (germline): Uncertain significance. Review status: criteria provided, multiple submitters, no conflicts (2 of 4 stars). 2 submissions from 2 submitters: Uncertain significance (2). Last evaluated 2025-11-21.

Allele frequency attached by ClinVar (database versions not stated): ExAC 0.00002; ESP Exome Variant Server 0.00008; gnomAD 0.00017 and 0.00019; TOPMed 0.00017.
gnomAD v4.1: 66 of 1,614,056 alleles (0.0041%); highest among the groups gnomAD compares: Admixed American, 0.055%; no homozygotes.

Submissions (2):

Labcorp Genetics (formerly Invitae), Labcorp
Classification: Uncertain significance. Last evaluated: 2025-11-21. Review status: criteria provided, single submitter. Criteria: Invitae Variant Classification Sherloc (09022015). Collection method: clinical testing. Allele origin: germline.
Comment: This sequence change replaces valine, which is neutral and non-polar, with methionine, which is neutral and non-polar, at codon 1202 of the ADGRA3 protein (p.Val1202Met). This variant is present in population databases (rs141222776, gnomAD 0.04%). This variant has not been reported in the literature in individuals affected with ADGRA3-related conditions. ClinVar contains an entry for this variant (Variation ID: 1034769). An algorithm developed to predict the effect of missense changes on protein structure and function outputs the following: PolyPhen-2: "Benign". The methionine amino acid residue is found in multiple mammalian species, which suggests that this missense change does not adversely affect protein function. In summary, the available evidence is currently insufficient to determine the role of this variant in disease. Therefore, it has been classified as a Variant of Uncertain Significance.

Ambry Genetics
Classification: Uncertain significance. Last evaluated: 2025-02-06. Review status: criteria provided, single submitter. Criteria: Ambry Variant Classification Scheme 2023. Collection method: clinical testing. Allele origin: germline.